The following is an entry in ClinVar:

NM_000219.6(KCNE1):c.67C>G (p.Gln23Glu)

Gene: KCNE1 (potassium voltage-gated channel subfamily E regulatory subunit 1; minus strand). Cytogenetic location: 21q22.12.
Variant type: single nucleotide variant.
Coding change: c.67C>G on transcript NM_000219.6 (MANE Select); coding-DNA position 67, C replaced by G.
Protein change: p.Gln23Glu; replaces glutamine 23 with glutamic acid.
Molecular consequence: missense variant.
Genome position (GRCh38, 1-based): chr21:34,449,568, G>C on the plus strand (C>G on the coding strand, the complement: KCNE1 is on the minus strand). VCF-style: chr21-34449568-G-C. GRCh37 (hg19) VCF-style: chr21-35821866-G-C.
Other names: c.67C>G, p.Gln23Glu (NM_001127668.4, NM_001127669.4, NM_001127670.4 and 4 more transcripts); short protein forms Q23E.
Identifiers: ClinVar variation 3373956 (VCV003373956.2).

Conditions:
Long QT syndrome 5 (LQT5). Identifiers: Orphanet 101016, Orphanet 768, MedGen C1867904, MONDO:0013372, OMIM 613695.

Submission:

Roden Lab, Vanderbilt University Medical Center
No classification provided (evidence only). Condition: Long QT syndrome 5. Review status: no classification provided. Collection method: in vitro. Allele origin: not applicable. Functional consequence: Effect on ion channel function.
ClinVar note: "not provided" was previously submitted as the classification for the variant. However, the classification appeared to be based only on an observation of functional data so it was converted to no classification on 2025-07-30.